The following is an entry in ClinVar:

NM_001436401.1(NOBOX):c.233G>A (p.Arg78His)

Gene: NOBOX (NOBOX oogenesis homeobox; minus strand). Cytogenetic location: 7q35.
Variant type: single nucleotide variant.
Coding change: c.233G>A on transcript NM_001436401.1 (MANE Select); coding-DNA position 233, G replaced by A.
Protein change: p.Arg78His; replaces arginine 78 with histidine.
Molecular consequence: missense variant. On other transcripts: intron variant (1).
Genome position (GRCh38, 1-based): chr7:144,401,402, C>T on the plus strand (G>A on the coding strand, the complement: NOBOX is on the minus strand). VCF-style: chr7-144401402-C-T. GRCh37 (hg19) VCF-style: chr7-144098495-C-T.
Other names: NM_001080413.3:c.488G>A; c.38-1090G>A (NM_001436402.1); short protein forms R78H.
Identifiers: ClinVar variation 2636788 (VCV002636788.1), dbSNP rs558507338, ClinGen allele CA4544824.

ClinVar aggregate classification (germline): Uncertain significance (1 of 4 stars; one submission).

Conditions:
NOBOX-related disorder. Also called: NOBOX-related condition.

Allele frequency attached by ClinVar (database versions not stated): gnomAD exomes 0.00002; TOPMed 0.00003; gnomAD 0.00005; ExAC 0.00006.

Submission:

PreventionGenetics, part of Exact Sciences
Classification: Uncertain significance for NOBOX-related condition. Last evaluated: 2023-02-23. Review status: criteria provided, single submitter. Criteria: ACMG Guidelines, 2015. Collection method: clinical testing. Allele origin: germline.
Comment: The NOBOX c.488G>A variant is predicted to result in the amino acid substitution p.Arg163His. To our knowledge, this variant has not been reported in the literature. This variant is reported in 0.067% of alleles in individuals of East Asian descent in gnomAD. Although we suspect that this variant may be benign, at this time, the clinical significance of this variant is uncertain due to the absence of conclusive functional and genetic evidence.